The following is an entry in ClinVar:

NM_004341.5(CAD):c.2509C>G (p.Leu837Val)

Genes: CAD (carbamoyl-phosphate synthetase 2, aspartate transcarbamylase, and dihydroorotase; plus strand), LOC126806171 (BRD4-independent group 4 enhancer GRCh37_chr2:27454350-27455549; plus strand). Cytogenetic location: 2p23.3.
Variant type: single nucleotide variant.
Coding change: c.2509C>G on transcript NM_004341.5 (MANE Select); coding-DNA position 2509, C replaced by G.
Protein change: p.Leu837Val; replaces leucine 837 with valine.
Molecular consequence: missense variant.
Genome position (GRCh38, 1-based): chr2:27,232,088, C>G. VCF-style: chr2-27232088-C-G. GRCh37 (hg19) VCF-style: chr2-27454956-C-G.
Other names: c.2320C>G, p.Leu774Val (NM_001306079.2); short protein forms L837V, L774V.
Identifiers: ClinVar variation 2113902 (VCV002113902.4), dbSNP rs903153722, ClinGen allele CA346211502.

ClinVar aggregate classification (germline): Uncertain significance (1 of 4 stars; one submission).

Submission:

Labcorp Genetics (formerly Invitae), Labcorp
Classification: Uncertain significance. Last evaluated: 2022-03-18. Review status: criteria provided, single submitter. Criteria: Invitae Variant Classification Sherloc (09022015). Collection method: clinical testing. Allele origin: germline.
Comment: This sequence change replaces leucine, which is neutral and non-polar, with valine, which is neutral and non-polar, at codon 837 of the CAD protein (p.Leu837Val). This variant is not present in population databases (gnomAD no frequency). This variant has not been reported in the literature in individuals affected with CAD-related conditions. Algorithms developed to predict the effect of missense changes on protein structure and function are either unavailable or do not agree on the potential impact of this missense change (SIFT: "Tolerated"; PolyPhen-2: "Probably Damaging"; Align-GVGD: "Class C0"). In summary, the available evidence is currently insufficient to determine the role of this variant in disease. Therefore, it has been classified as a Variant of Uncertain Significance.